The following is an entry in ClinVar:

NM_014714.4(IFT140):c.1774_1776del (p.Asp592del)

Gene: IFT140 (intraflagellar transport 140; minus strand). Cytogenetic location: 16p13.3.
Variant type: Deletion.
Coding change: c.1774_1776del on transcript NM_014714.4 (MANE Select); coding-DNA positions 1774 to 1776, 3 bases deleted (GAC; older notation c.1774_1776delGAC).
Protein change: p.Asp592del; deletes aspartic acid 592.
Molecular consequence: inframe deletion.
Genome position (GRCh38, 1-based): chr16:1,566,286-1,566,288, GTC deleted on the plus strand (GAC on the coding strand, the reverse complement: IFT140 is on the minus strand). VCF-style (leftmost placement, unchanged base first): chr16-1566285-TGTC-T. GRCh37 (hg19) VCF-style: chr16-1616286-TGTC-T.
Other names: short protein forms D592del.
Identifiers: ClinVar variation 4734159 (VCV004734159.1).

ClinVar aggregate classification (germline): Uncertain significance (1 of 4 stars; one submission).

Conditions:
Saldino-Mainzer syndrome (SRTD9). Also called: CONORENAL SYNDROME; Renal dysplasia, retinal pigmentary dystrophy, cerebellar ataxia and skeletal dysplasia; SHORT-RIB THORACIC DYSPLASIA 9 WITHOUT POLYDACTYLY; short-rib thoracic dysplasia 9 with or without polydactyly. Identifiers: Orphanet 140969, MedGen C1849437, MONDO:0009964, OMIM 266920.

Submission:

Labcorp Genetics (formerly Invitae), Labcorp
Classification: Uncertain significance for Saldino-Mainzer syndrome. Last evaluated: 2025-12-24. Review status: criteria provided, single submitter. Criteria: Invitae Variant Classification Sherloc (09022015). Collection method: clinical testing. Allele origin: germline.
Comment: This variant, c.1774_1776del, results in the deletion of 1 amino acid(s) of the IFT140 protein (p.Asp592del), but otherwise preserves the integrity of the reading frame. This variant is not present in population databases (gnomAD no frequency). This variant has not been reported in the literature in individuals affected with IFT140-related conditions. Experimental studies and prediction algorithms are not available or were not evaluated, and the functional significance of this variant is currently unknown. In summary, the available evidence is currently insufficient to determine the role of this variant in disease. Therefore, it has been classified as a Variant of Uncertain Significance.